The following is an entry in ClinVar:

NM_006312.6(NCOR2):c.3106G>A (p.Ala1036Thr)

Gene: NCOR2 (nuclear receptor corepressor 2; minus strand). Cytogenetic location: 12q24.31.
Variant type: single nucleotide variant.
Coding change: c.3106G>A on transcript NM_006312.6 (MANE Select); coding-DNA position 3106, G replaced by A.
Protein change: p.Ala1036Thr; replaces alanine 1036 with threonine.
Molecular consequence: missense variant.
Genome position (GRCh38, 1-based): chr12:124,356,777, C>T on the plus strand (G>A on the coding strand, the complement: NCOR2 is on the minus strand). VCF-style: chr12-124356777-C-T. GRCh37 (hg19) VCF-style: chr12-124841323-C-T.
Other names: c.3076G>A, p.Ala1026Thr (NM_001077261.4, NM_001206654.2); short protein forms A1026T, A1036T.
Identifiers: ClinVar variation 5025435 (VCV005025435.1).
Genomic context (GRCh38, chr12:124,356,777, plus strand): 5'-GGAAGGGCAGGCCGGAAGTCCAGCAAGGGGGGTCCCCAGGCAGCTTCTGGGCCTCGGCTG[C>T]GAAGGCTGGGAAGAACACAGGCTTCTCTGCTGAGGGCAGGAGGTGGGGCAGTCAGACCTC-3'
Protein context (NP_006303.4, residues 1026-1046): PAPPADKEAF[Ala1036Thr]AEAQKLPGDP

ClinVar aggregate classification (germline): Uncertain significance (1 of 4 stars; one submission).

gnomAD v4.1: 54 of 1,474,436 alleles (0.0037%); highest among the groups gnomAD compares: African/African-American, 0.055%; 1 homozygote.

Submission:

Ambry Genetics
Classification: Uncertain significance. Last evaluated: 2026-08-05. Review status: criteria provided, single submitter. Criteria: Ambry Variant Classification Scheme 2023. Collection method: clinical testing. Allele origin: germline.
Comment: The c.3106G>A (p.A1036T) alteration is located in exon 25 (coding exon 23) of the NCOR2 gene. This alteration results from a G to A substitution at nucleotide position 3106, causing the alanine (A) at amino acid position 1036 to be replaced by a threonine (T). Based on data from gnomAD, the A allele has an overall frequency of 0.005% (6/128210) total alleles studied. The highest observed frequency was 0.047% (6/12880) of African alleles. Based on insufficient or conflicting evidence, the clinical significance of this alteration remains unclear.